The following is an entry in ClinVar:

ClinVar aggregate classification (germline): Uncertain significance (1 of 4 stars; one submission).

Conditions:
Charcot-Marie-Tooth disease, type I (CMT1). Also called: Charcot-Marie-Tooth, Type 1; Charcot-Marie-Tooth disease type 1. Identifiers: Orphanet 65753, MedGen C0751036, MONDO:0019011.

Allele frequency attached by ClinVar (database versions not stated): gnomAD exomes below 0.00001.
gnomAD v4.1: 2 of 1,614,120 alleles (0.00012%); highest among the groups gnomAD compares: African/African-American, 0.0013%; no homozygotes.

Submission:

Labcorp Genetics (formerly Invitae), Labcorp
Classification: Uncertain significance for Charcot-Marie-Tooth disease, type I. Last evaluated: 2022-02-19. Review status: criteria provided, single submitter. Criteria: Invitae Variant Classification Sherloc (09022015). Collection method: clinical testing. Allele origin: germline.
Comment: In summary, the available evidence is currently insufficient to determine the role of this variant in disease. Therefore, it has been classified as a Variant of Uncertain Significance. Algorithms developed to predict the effect of missense changes on protein structure and function are either unavailable or do not agree on the potential impact of this missense change (SIFT: "Not Available"; PolyPhen-2: "Possibly Damaging"; Align-GVGD: "Not Available"). ClinVar contains an entry for this variant (Variation ID: 1047238). This variant has not been reported in the literature in individuals affected with EGR2-related conditions. This variant is not present in population databases (gnomAD no frequency). This sequence change replaces arginine, which is basic and polar, with cysteine, which is neutral and slightly polar, at codon 269 of the EGR2 protein (p.Arg269Cys).

NM_000399.5(EGR2):c.805C>T (p.Arg269Cys)

Gene: EGR2 (early growth response 2; minus strand). Cytogenetic location: 10q21.3.
Variant type: single nucleotide variant.
Coding change: c.805C>T on transcript NM_000399.5 (MANE Select); coding-DNA position 805, C replaced by T.
Protein change: p.Arg269Cys; replaces arginine 269 with cysteine.
Molecular consequence: missense variant.
Genome position (GRCh38, 1-based): chr10:62,813,833, G>A on the plus strand (C>T on the coding strand, the complement: EGR2 is on the minus strand). VCF-style: chr10-62813833-G-A. GRCh37 (hg19) VCF-style: chr10-64573593-G-A.
Other names: c.805C>T, p.Arg269Cys (NM_001136177.3, NM_001136178.2); c.655C>T, p.Arg219Cys (NM_001136179.3, NM_001321037.2); short protein forms R269C, R219C.
Identifiers: ClinVar variation 1047238 (VCV001047238.8), dbSNP rs1842186521, ClinGen allele CA377028760.